The following is an entry in ClinVar:

ClinVar aggregate classification (germline): Uncertain significance (1 of 4 stars; one submission).

gnomAD v4.1: 9 of 1,611,702 alleles (0.00056%); highest among the groups gnomAD compares: Non-Finnish European, 0.00076%; no homozygotes.

Submission:

Labcorp Genetics (formerly Invitae), Labcorp
Classification: Uncertain significance. Last evaluated: 2024-02-07. Review status: criteria provided, single submitter. Criteria: Invitae Variant Classification Sherloc (09022015). Collection method: clinical testing. Allele origin: germline.
Comment: This sequence change falls in intron 11 of the CARD8 gene. It does not directly change the encoded amino acid sequence of the CARD8 protein. It affects a nucleotide within the consensus splice site. This variant is not present in population databases (gnomAD no frequency). This variant has not been reported in the literature in individuals affected with CARD8-related conditions. Variants that disrupt the consensus splice site are a relatively common cause of aberrant splicing (PMID: 17576681, 9536098). Algorithms developed to predict the effect of sequence changes on RNA splicing suggest that this variant is not likely to affect RNA splicing. In summary, the available evidence is currently insufficient to determine the role of this variant in disease. Therefore, it has been classified as a Variant of Uncertain Significance.

Literature cited by the submitters: PubMed 17576681; PubMed 9536098.

NM_001184900.3(CARD8):c.1349-3C>T

Gene: CARD8 (caspase recruitment domain family member 8; minus strand). Cytogenetic location: 19q13.33.
Variant type: single nucleotide variant.
Coding change: c.1349-3C>T on transcript NM_001184900.3 (MANE Select); 3 bases into the intron before coding-DNA position 1349, C replaced by T.
Molecular consequence: intron variant.
Genome position (GRCh38, 1-based): chr19:48,211,978, G>A on the plus strand (C>T on the coding strand, the complement: CARD8 is on the minus strand). VCF-style: chr19-48211978-G-A. GRCh37 (hg19) VCF-style: chr19-48715235-G-A.
Other names: c.1033+3362C>T (NM_001351787.2); c.*28-3C>T (NM_001351791.2, NM_001351788.2, NM_001351789.2 and 4 more transcripts); c.1013-3C>T (NM_001351786.2); c.1034-3C>T (NM_001351784.2); c.1199-3C>T (NM_014959.5, NM_001351783.2, NM_001184901.1); c.1349-3C>T (NM_001351782.2); c.1031-3C>T (NM_001365950.1).
Identifiers: ClinVar variation 3690944 (VCV003690944.2).